The following is an entry in ClinVar:

NC_000002.11:g.(?_236617803)_(236653503_?)dup

Gene: AGAP1 (ArfGAP with GTPase domain, ankyrin repeat and PH domain 1; plus strand). Cytogenetic location: 2q37.2.
Variant type: Duplication.
Identifiers: ClinVar variation 2426002 (VCV002426002.2).

ClinVar aggregate classification (germline): Uncertain significance (1 of 4 stars; one submission).

Submission:

Labcorp Genetics (formerly Invitae), Labcorp
Classification: Uncertain significance. Last evaluated: 2022-07-13. Review status: criteria provided, single submitter. Criteria: Invitae Variant Classification Sherloc (09022015). Collection method: clinical testing. Allele origin: germline.
Comment: In summary, the available evidence is currently insufficient to determine the role of this variant in disease. Therefore, it has been classified as a Variant of Uncertain Significance. This variant has not been reported in the literature in individuals affected with AGAP1-related conditions. This variant results in a copy number gain of the genomic region encompassing exon(s) 2-5 of the AGAP1 gene. While the exact position of this variant cannot be determined from the data, sub-genic copy number gains are generally in tandem (PMID: 25640679). This variant is predicted to be out-of-frame, and may result in an absent or disrupted protein product. However, the current clinical and genetic evidence is not sufficient to establish whether loss-of-function variants in AGAP1 cause disease.

Literature cited by the submitters: PubMed 25640679.